The following is an entry in ClinVar:

ClinVar aggregate classification (germline): Benign. Review status: criteria provided, multiple submitters, no conflicts (2 of 4 stars). 2 submissions from 2 submitters: Benign (2). Last evaluated 2018-01-13.

Conditions:
Familial dysautonomia. Also called: HSAN III; FD. Identifiers: Orphanet 1764, MedGen C0013364, MONDO:0009131, OMIM 223900. Disease mechanism: loss of function.

Allele frequency attached by ClinVar (database versions not stated): gnomAD 0.07241 and 0.08143; TOPMed 0.07624; 1000 Genomes Project 30x 0.12258; 1000 Genomes Project 0.12580.

Submissions (2):

Illumina Laboratory Services, Illumina
Classification: Benign for Familial dysautonomia. Last evaluated: 2018-01-13. Review status: criteria provided, single submitter. Criteria: ICSL Variant Classification Criteria 13 December 2019. Collection method: clinical testing. Allele origin: germline.
Comment: This variant was observed in the ICSL laboratory as part of a predisposition screen in an ostensibly healthy population. It had not been previously curated by ICSL or reported in the Human Gene Mutation Database (HGMD: prior to June 1st, 2018), and was therefore a candidate for classification through an automated scoring system. Utilizing variant allele frequency, disease prevalence and penetrance estimates, and inheritance mode, an automated score was calculated to assess if this variant is too frequent to cause the disease. Based on the score and internal cut-off values, a variant classified as benign is not then subjected to further curation. The score for this variant resulted in a classification of benign for this disease.

Breakthrough Genomics
Classification: Benign. Review status: criteria provided, single submitter. Criteria: ACMG Guidelines, 2015. Collection method: not provided. Allele origin: germline. Inheritance: Autosomal recessive inheritance. Affected: yes.

NM_003640.5(ELP1):c.*1260C>T

Gene: ELP1 (elongator acetyltransferase complex subunit 1; minus strand). Cytogenetic location: 9q31.3.
Variant type: single nucleotide variant.
Coding change: c.*1260C>T on transcript NM_003640.5 (MANE Select); 1260 bases downstream of the stop codon, C replaced by T.
Molecular consequence: 3 prime UTR variant.
Genome position (GRCh38, 1-based): chr9:108,867,855, G>A on the plus strand (C>T on the coding strand, the complement: ELP1 is on the minus strand). VCF-style: chr9-108867855-G-A. GRCh37 (hg19) VCF-style: chr9-111630135-G-A.
Other names: c.*1260C>T (LRG_251t1, NM_001318360.2, NM_001330749.2).
Identifiers: ClinVar variation 364538 (VCV000364538.6), dbSNP rs13299651, ClinGen allele CA10628732.